The following is an entry in ClinVar:

ClinVar aggregate classification (germline): Uncertain significance (1 of 4 stars; one submission).

Conditions:
Hereditary cancer-predisposing syndrome. Also called: Hereditary Cancer Syndrome; Tumor predisposition; Hereditary neoplastic syndrome; Neoplastic Syndromes, Hereditary. Identifiers: Orphanet 140162, MedGen C0027672, MeSH D009386, MONDO:0015356.

Submission:

Ambry Genetics
Classification: Uncertain significance for Hereditary cancer-predisposing syndrome. Last evaluated: 2024-10-21. Review status: criteria provided, single submitter. Criteria: Ambry Variant Classification Scheme 2023. Collection method: clinical testing. Allele origin: germline.
Comment: The p.P656S variant (also known as c.1966C>T), located in coding exon 4 of the MSH6 gene, results from a C to T substitution at nucleotide position 1966. The proline at codon 656 is replaced by serine, an amino acid with similar properties. This amino acid position is conserved. In addition, the in silico prediction for this alteration is inconclusive. Based on the available evidence, the clinical significance of this variant remains unclear.

NM_000179.3(MSH6):c.1966C>T (p.Pro656Ser)

Gene: MSH6 (mutS homolog 6; plus strand). Cytogenetic location: 2p16.3.
Variant type: single nucleotide variant.
Coding change: c.1966C>T on transcript NM_000179.3 (MANE Select); coding-DNA position 1966, C replaced by T.
Protein change: p.Pro656Ser; replaces proline 656 with serine.
Molecular consequence: missense variant. On other transcripts: non-coding transcript variant (5), intron variant (2).
Genome position (GRCh38, 1-based): chr2:47,799,949, C>T. VCF-style: chr2-47799949-C-T. GRCh37 (hg19) VCF-style: chr2-48027088-C-T.
Other names: c.1576C>T, p.Pro526Ser (NM_001281492.2); c.1060C>T, p.Pro354Ser (NM_001281493.2, NM_001281494.2, NM_001406811.1 and 6 more transcripts); c.2062C>T, p.Pro688Ser (NM_001406795.1, NM_001406802.1); c.1966C>T, p.Pro656Ser (NM_001406796.1, NM_001406798.1, NM_001406800.1 and 3 more transcripts); c.1669C>T, p.Pro557Ser (NM_001406797.1, NM_001406801.1, NM_001406805.1 and 10 more transcripts); c.1441C>T, p.Pro481Ser (NM_001406799.1, NM_001406806.1, NM_001406807.1); c.1888C>T, p.Pro630Ser (NM_001406804.1); c.1972C>T, p.Pro658Ser (NM_001406813.1); and 3 more; short protein forms P526S, P354S, P656S, P481S, P688S, P557S, P600S, P630S.
Identifiers: ClinVar variation 3398946 (VCV003398946.1).